The following is an entry in ClinVar:

NM_002435.3(MPI):c.7G>A (p.Ala3Thr)

Gene: MPI (mannose phosphate isomerase; plus strand). Cytogenetic location: 15q24.1.
Variant type: single nucleotide variant.
Coding change: c.7G>A on transcript NM_002435.3 (MANE Select); coding-DNA position 7, G replaced by A.
Protein change: p.Ala3Thr; replaces alanine 3 with threonine.
Molecular consequence: missense variant. On other transcripts: 5 prime UTR variant (2).
Genome position (GRCh38, 1-based): chr15:74,890,080, G>A. VCF-style: chr15-74890080-G-A. GRCh37 (hg19) VCF-style: chr15-75182421-G-A.
Other names: c.7G>A, p.Ala3Thr (NM_001289155.2, NM_001289157.2); c.-16G>A (NM_001289156.2); c.-143G>A (NM_001330372.2); short protein forms A3T.
Identifiers: ClinVar variation 468471 (VCV000468471.9), dbSNP rs770421382, ClinGen allele CA7662268.

ClinVar aggregate classification (germline): Uncertain significance. Review status: criteria provided, multiple submitters, no conflicts (2 of 4 stars). 3 submissions from 3 submitters: Uncertain significance (2). 1 of the submissions does not count toward it. Last evaluated 2025-10-12.

Conditions:
MPI-related disorder. Also called: MPI-related condition.
MPI-congenital disorder of glycosylation. Also called: CONGENITAL DISORDER OF GLYCOSYLATION, TYPE Ib; CDG Ib; MANNOSEPHOSPHATE ISOMERASE DEFICIENCY; PROTEIN-LOSING ENTEROPATHY-HEPATIC FIBROSIS SYNDROME; MPI DEFICIENCY; MPI-CDG. Identifiers: Orphanet 79319, MedGen C1865145, MONDO:0011257, OMIM 602579.

Allele frequency attached by ClinVar (database versions not stated): TOPMed below 0.00001; ExAC 0.00001; gnomAD 0.00001 and 0.00003.
gnomAD v4.1: 18 of 1,607,770 alleles (0.0011%); highest among the groups gnomAD compares: Admixed American, 0.028%; no homozygotes.

Submissions (3):

Labcorp Genetics (formerly Invitae), Labcorp
Classification: Uncertain significance for MPI-congenital disorder of glycosylation. Last evaluated: 2025-10-12. Review status: criteria provided, single submitter. Criteria: Invitae Variant Classification Sherloc (09022015). Collection method: clinical testing. Allele origin: germline.
Comment: This sequence change replaces alanine, which is neutral and non-polar, with threonine, which is neutral and polar, at codon 3 of the MPI protein (p.Ala3Thr). This variant is present in population databases (rs770421382, gnomAD 0.03%). This variant has not been reported in the literature in individuals affected with MPI-related conditions. ClinVar contains an entry for this variant (Variation ID: 468471). An algorithm developed to predict the effect of missense changes on protein structure and function (PolyPhen-2) suggests that this variant is likely to be tolerated. In summary, the available evidence is currently insufficient to determine the role of this variant in disease. Therefore, it has been classified as a Variant of Uncertain Significance.

PreventionGenetics, part of Exact Sciences
Classification: Uncertain significance for MPI-related condition. Last evaluated: 2023-03-14. Review status: criteria provided, single submitter. Criteria: ACMG Guidelines, 2015. Collection method: clinical testing. Allele origin: germline.
Comment: The MPI c.7G>A variant is predicted to result in the amino acid substitution p.Ala3Thr. To our knowledge, this variant has not been reported in the literature. This variant is reported in 0.031% of alleles in individuals of Latino descent in gnomAD. At this time, the clinical significance of this variant is uncertain due to the absence of conclusive functional and genetic evidence.

Natera, Inc.
Classification: Uncertain significance for Congenital disorder of glycosylation type 1b. Last evaluated: 2019-10-28. Review status: no assertion criteria provided. Collection method: clinical testing. Allele origin: germline. Not counted in ClinVar's aggregate classification.